The following is an entry in ClinVar:

ClinVar aggregate classification (germline): Uncertain significance (1 of 4 stars; one submission).

Allele frequency attached by ClinVar (database versions not stated): TOPMed below 0.00001; gnomAD 0.00001; gnomAD exomes 0.00002; ExAC 0.00006; 1000 Genomes Project 30x 0.00016; 1000 Genomes Project 0.00020.
gnomAD v4.1: 34 of 1,607,388 alleles (0.0021%); highest among the groups gnomAD compares: East Asian, 0.025%; no homozygotes.

Submission:

Labcorp Genetics (formerly Invitae), Labcorp
Classification: Uncertain significance. Last evaluated: 2023-07-07. Review status: criteria provided, single submitter. Criteria: Invitae Variant Classification Sherloc (09022015). Collection method: clinical testing. Allele origin: germline.
Comment: This sequence change falls in intron 29 of the NEDD4L gene. It does not directly change the encoded amino acid sequence of the NEDD4L protein. It affects a nucleotide within the consensus splice site. This variant is present in population databases (rs543941564, gnomAD 0.06%). In summary, the available evidence is currently insufficient to determine the role of this variant in disease. Therefore, it has been classified as a Variant of Uncertain Significance. Variants that disrupt the consensus splice site are a relatively common cause of aberrant splicing (PMID: 17576681, 9536098). Algorithms developed to predict the effect of sequence changes on RNA splicing suggest that this variant may disrupt the consensus splice site. This variant has not been reported in the literature in individuals affected with NEDD4L-related conditions.

Literature cited by the submitters: PubMed 17576681; PubMed 9536098.

NM_001144967.3(NEDD4L):c.2826-3C>T

Gene: NEDD4L (NEDD4 like E3 ubiquitin protein ligase; plus strand). Cytogenetic location: 18q21.31.
Variant type: single nucleotide variant.
Coding change: c.2826-3C>T on transcript NM_001144967.3 (MANE Select); 3 bases into the intron before coding-DNA position 2826, C replaced by T.
Molecular consequence: intron variant.
Genome position (GRCh38, 1-based): chr18:58,396,164, C>T. VCF-style: chr18-58396164-C-T. GRCh37 (hg19) VCF-style: chr18-56063396-C-T.
Other names: c.2766-3C>T (NM_015277.6); c.2634-3C>T (NM_001243960.2); c.2463-3C>T (NM_001144964.1, NM_001144965.2, NM_001144966.3); c.2403-3C>T (NM_001144971.2, NM_001144970.3); c.2802-3C>T (NM_001144968.2); c.2742-3C>T (NM_001144969.2).
Identifiers: ClinVar variation 2969355 (VCV002969355.3), dbSNP rs543941564, ClinGen allele CA8976068.